The following is an entry in ClinVar:

ClinVar aggregate classification (germline): Uncertain significance (1 of 4 stars; one submission).

Conditions:
Autosomal recessive nonsyndromic hearing loss 103. Also called: Deafness, autosomal recessive 103. Identifiers: Orphanet 90636, MedGen C4015050, MONDO:0014469, OMIM 616042.

gnomAD v4.1: 14 of 1,607,312 alleles (0.00087%); highest among the groups gnomAD compares: South Asian, 0.0011%; no homozygotes.

Submission:

Juno Genomics, Hangzhou Juno Genomics, Inc
Classification: Uncertain significance for Autosomal recessive nonsyndromic hearing loss 103. Review status: criteria provided, single submitter. Criteria: ACMG Guidelines, 2015. Collection method: clinical testing. Allele origin: germline.
Comment: Absent from controls (or at extremely low frequency if recessive) in Genome Aggregation Database.;Multiple lines of computational evidence support a deleterious effect on the gene or gene product.

NM_016929.5(CLIC5):c.518G>A (p.Arg173His)

Gene: CLIC5 (CLIC family member 5; minus strand). Cytogenetic location: 6p21.1.
Variant type: single nucleotide variant.
Coding change: c.518G>A on transcript NM_016929.5 (MANE Select); coding-DNA position 518, G replaced by A.
Protein change: p.Arg173His; replaces arginine 173 with histidine.
Molecular consequence: missense variant. On other transcripts: non-coding transcript variant (3).
Genome position (GRCh38, 1-based): chr6:45,914,298, C>T on the plus strand (G>A on the coding strand, the complement: CLIC5 is on the minus strand). VCF-style: chr6-45914298-C-T. GRCh37 (hg19) VCF-style: chr6-45882035-C-T.
Other names: c.995G>A, p.Arg332His (NM_001114086.2, NM_001370650.1); c.518G>A, p.Arg173His (NM_001256023.2); c.401G>A, p.Arg134His (NM_001370649.1); short protein forms R173H, R332H, R134H.
Identifiers: ClinVar variation 5007068 (VCV005007068.2).